The following is an entry in ClinVar:

ClinVar aggregate classification (germline): Uncertain significance (1 of 4 stars; one submission).

Submission:

Ambry Genetics
Classification: Uncertain significance. Last evaluated: 2022-01-27. Review status: criteria provided, single submitter. Criteria: Ambry Variant Classification Scheme 2023. Collection method: clinical testing. Allele origin: germline.
Comment: The p.L347R variant (also known as c.1040T>G), located in coding exon 9 of the RAD54L gene, results from a T to G substitution at nucleotide position 1040. The leucine at codon 347 is replaced by arginine, an amino acid with dissimilar properties. This amino acid position is conserved. In addition, this alteration is predicted to be deleterious by in silico analysis. Since supporting evidence is limited at this time, the clinical significance of this alteration remains unclear.

NM_003579.4(RAD54L):c.1040T>G (p.Leu347Arg)

Gene: RAD54L (RAD54 like; plus strand). Cytogenetic location: 1p34.1.
Variant type: single nucleotide variant.
Coding change: c.1040T>G on transcript NM_003579.4 (MANE Select); coding-DNA position 1040, T replaced by G.
Protein change: p.Leu347Arg; replaces leucine 347 with arginine.
Molecular consequence: missense variant.
Genome position (GRCh38, 1-based): chr1:46,267,607, T>G. VCF-style: chr1-46267607-T-G. GRCh37 (hg19) VCF-style: chr1-46733279-T-G.
Other names: c.1040T>G, p.Leu347Arg (NM_001142548.2); c.500T>G, p.Leu167Arg (NM_001370766.1); short protein forms L347R, L167R.
Identifiers: ClinVar variation 1774057 (VCV001774057.2), dbSNP rs2525690964, ClinGen allele CA340192808.